The following is an entry in ClinVar:

NM_000257.4(MYH7):c.4541A>G (p.Glu1514Gly)

Genes: MHRT (myosin heavy chain associated RNA transcript; plus strand), MYH7 (myosin heavy chain 7; minus strand). Cytogenetic location: 14q11.2.
Variant type: single nucleotide variant.
Coding change: c.4541A>G on transcript NM_000257.4 (MANE Select); coding-DNA position 4541, A replaced by G.
Protein change: p.Glu1514Gly; replaces glutamic acid 1514 with glycine.
Molecular consequence: missense variant. On other transcripts: non-coding transcript variant (1).
Genome position (GRCh38, 1-based): chr14:23,416,971, T>C on the plus strand (A>G on the coding strand, the complement: MYH7 is on the minus strand). VCF-style: chr14-23416971-T-C. GRCh37 (hg19) VCF-style: chr14-23886180-T-C.
Other names: c.4541A>G (LRG_384t1); short protein forms E1514G.
Identifiers: ClinVar variation 626812 (VCV000626812.25), dbSNP rs1351712658, ClinGen allele CA389038184.

ClinVar aggregate classification (germline): Uncertain significance. Review status: criteria provided, multiple submitters, no conflicts (2 of 4 stars). 9 submissions from 9 submitters: Uncertain significance (3). 6 of the submissions do not count toward it. Last evaluated 2023-12-05.

Conditions:
Cardiomyopathy (CMYO). Also called: Cardiomyopathies. Identifiers: Orphanet 167848, MedGen C0878544, MONDO:0004994, HP:0001638. Inheritance: Various modes of inheritance.
Hypertrophic cardiomyopathy. Also called: HYPERTROPHIC MYOCARDIOPATHY. Identifiers: Orphanet 217569, MedGen C0007194, MeSH D002312, MONDO:0005045, HP:0001639.

Allele frequency attached by ClinVar (database versions not stated): gnomAD exomes below 0.00001 and 0.00001; TOPMed 0.00001.
gnomAD v4.1: 6 of 1,614,164 alleles (0.00037%); highest among the groups gnomAD compares: Non-Finnish European, 0.00051%; no homozygotes.

Submissions (9):

Color Diagnostics, LLC DBA Color Health
Classification: Uncertain significance for Cardiomyopathy. Last evaluated: 2023-12-05. Review status: criteria provided, single submitter. Criteria: ACMG Guidelines, 2015. Collection method: clinical testing. Allele origin: germline.
Comment: Variant of Uncertain Significance due to insufficient evidence: This missense variant is located in the LMM domain of the MYH7 protein. Computational prediction tools and conservation analyses suggest that this variant may have deleterious impact on the protein function. Computational splicing tools suggest that this variant may not impact RNA splicing. To our knowledge, functional assays have not been performed for this variant nor has this variant been reported in individuals affected with cardiovascular disorders in the literature. This variant has been identified in 1/246268 chromosomes in the general population by the Genome Aggregation Database (gnomAD). Available evidence is insufficient to determine the role of this variant in disease conclusively.

Labcorp Genetics (formerly Invitae), Labcorp
Classification: Uncertain significance for Hypertrophic cardiomyopathy. Last evaluated: 2019-05-29. Review status: criteria provided, single submitter. Criteria: Invitae Variant Classification Sherloc (09022015). Collection method: clinical testing. Allele origin: germline.
Comment: This sequence change replaces glutamic acid with glycine at codon 1514 of the MYH7 protein (p.Glu1514Gly). The glutamic acid residue is highly conserved and there is a moderate physicochemical difference between glutamic acid and glycine. This variant is not present in population databases (ExAC no frequency). This variant has not been reported in the literature in individuals with MYH7-related conditions. ClinVar contains an entry for this variant (Variation ID: 626812). Algorithms developed to predict the effect of missense changes on protein structure and function are either unavailable or do not agree on the potential impact of this missense change (SIFT: "Deleterious"; PolyPhen-2: "Probably Damaging"; Align-GVGD: "Class C0"). In summary, the available evidence is currently insufficient to determine the role of this variant in disease. Therefore, it has been classified as a Variant of Uncertain Significance.

CHEO Genetics Diagnostic Laboratory, Children's Hospital of Eastern Ontario
Classification: Uncertain significance for Cardiomyopathy. Last evaluated: 2015-08-21. Review status: criteria provided, single submitter. Criteria: ACMG Guidelines, 2015. Collection method: clinical testing. Allele origin: germline. Study: Canadian Open Genetics Repository.

Clinical Genetics DNA and cytogenetics Diagnostics Lab, Erasmus MC, Erasmus Medical Center
Classification: Uncertain significance. Review status: no assertion criteria provided. Collection method: clinical testing. Allele origin: germline. Affected: yes. Study: VKGL Data-share Consensus. Not counted in ClinVar's aggregate classification.

Clinical Genetics, Academic Medical Center
Classification: Uncertain significance. Review status: no assertion criteria provided. Collection method: clinical testing. Allele origin: germline. Affected: yes. Study: VKGL Data-share Consensus. Not counted in ClinVar's aggregate classification.

Diagnostic Laboratory, Department of Genetics, University Medical Center Groningen
Classification: Uncertain significance. Review status: no assertion criteria provided. Collection method: clinical testing. Allele origin: germline. Affected: yes. Study: VKGL Data-share Consensus. Not counted in ClinVar's aggregate classification.

Genome Diagnostics Laboratory, University Medical Center Utrecht
Classification: Uncertain significance. Review status: no assertion criteria provided. Collection method: clinical testing. Allele origin: germline. Affected: yes. Study: VKGL Data-share Consensus. Not counted in ClinVar's aggregate classification.

Joint Genome Diagnostic Labs from Nijmegen and Maastricht, Radboudumc and MUMC+
Classification: Uncertain significance. Review status: no assertion criteria provided. Collection method: clinical testing. Allele origin: germline. Affected: yes. Study: VKGL Data-share Consensus. Not counted in ClinVar's aggregate classification.

Laboratory of Diagnostic Genome Analysis, Leiden University Medical Center (LUMC)
Classification: Uncertain significance. Review status: no assertion criteria provided. Collection method: clinical testing. Allele origin: germline. Affected: yes. Study: VKGL Data-share Consensus. Not counted in ClinVar's aggregate classification.